The following is an entry in ClinVar:

ClinVar aggregate classification (germline): Uncertain significance (1 of 4 stars; one submission).

Conditions:
Hereditary cancer-predisposing syndrome. Also called: Hereditary neoplastic syndrome; Neoplastic Syndromes, Hereditary; Tumor predisposition; Hereditary Cancer Syndrome. Identifiers: Orphanet 140162, MedGen C0027672, MeSH D009386, MONDO:0015356.

Submission:

Ambry Genetics
Classification: Uncertain significance for Hereditary cancer-predisposing syndrome. Last evaluated: 2025-02-27. Review status: criteria provided, single submitter. Criteria: Ambry Variant Classification Scheme 2023. Collection method: clinical testing. Allele origin: germline.
Comment: The p.K519T variant (also known as c.1556A>C), located in coding exon 9 of the BRCA1 gene, results from an A to C substitution at nucleotide position 1556. The lysine at codon 519 is replaced by threonine, an amino acid with similar properties. This amino acid position is highly conserved in available vertebrate species. In addition, this alteration is predicted to be deleterious by in silico analysis. Based on the available evidence, the clinical significance of this variant remains unclear.

NM_007294.4(BRCA1):c.1556A>C (p.Lys519Thr)

Gene: BRCA1 (BRCA1 DNA repair associated; minus strand). Cytogenetic location: 17q21.31.
Variant type: single nucleotide variant.
Coding change: c.1556A>C on transcript NM_007294.4 (MANE Select); coding-DNA position 1556, A replaced by C.
Protein change: p.Lys519Thr; replaces lysine 519 with threonine.
Molecular consequence: missense variant. On other transcripts: intron variant (137).
Genome position (GRCh38, 1-based): chr17:43,093,975, T>G on the plus strand (A>C on the coding strand, the complement: BRCA1 is on the minus strand). VCF-style: chr17-43093975-T-G. GRCh37 (hg19) VCF-style: chr17-41245992-T-G.
Other names: c.646+769A>C (NM_001408452.1, NM_001408457.1, NM_001408460.1 and 11 more transcripts); c.523+769A>C (NM_001408497.1, NM_001408496.1, NM_001408498.1 and 3 more transcripts); c.787+769A>C (NM_001407973.1, NM_001407980.1, NM_001407993.1 and 19 more transcripts); c.404-2943A>C (NM_001408511.1); c.460+1871A>C (NM_001408507.1, NM_001408506.1); c.520+769A>C (NM_001408505.1, NM_001408503.1, NM_001408504.1); c.545-2943A>C (NM_001408495.1); c.1553A>C, p.Lys518Thr (NM_001407645.1, NM_001407644.1, NM_001407587.1 and 22 more transcripts); and 40 more; short protein forms K223T, K351T, K408T, K430T, K452T, K471T, K492T, K407T.
Identifiers: ClinVar variation 3825311 (VCV003825311.1).
Genomic context (GRCh38, chr17:43,093,975, plus strand): 5'-GTTTGGTTAGTTCCCTGATTTATCATTTCAGGAGTCTTTTGAACTGCCAAATCTGCTTTC[T>G]TGATAAAATCCTCAGGATGAAGGCCTGATGTAGGTCTCCTTTTACGCTTTAATTTATTTG-3'
Protein context (NP_009225.1, residues 509-529): TSGLHPEDFI[Lys519Thr]KADLAVQKTP